The following is an entry in ClinVar:

NM_006295.3(VARS1):c.3162C>T (p.Asp1054=)

Gene: VARS1 (valyl-tRNA synthetase 1; minus strand). Cytogenetic location: 6p21.33.
Variant type: single nucleotide variant.
Coding change: c.3162C>T on transcript NM_006295.3 (MANE Select); coding-DNA position 3162, C replaced by T.
Protein change: p.Asp1054=; no amino-acid change (aspartic acid 1054 retained).
Molecular consequence: synonymous variant.
Genome position (GRCh38, 1-based): chr6:31,779,734, G>A on the plus strand (C>T on the coding strand, the complement: VARS1 is on the minus strand). VCF-style: chr6-31779734-G-A. GRCh37 (hg19) VCF-style: chr6-31747511-G-A.
Identifiers: ClinVar variation 2656423 (VCV002656423.24), dbSNP rs1171083155, ClinGen allele CA449803209.

ClinVar aggregate classification (germline): Likely benign (1 of 4 stars; one submission).

Allele frequency attached by ClinVar (database versions not stated): gnomAD 0.00001.
gnomAD v4.1: 4 of 1,612,874 alleles (0.00025%); highest among the groups gnomAD compares: Admixed American, 0.0017%; no homozygotes.

Submission:

CeGaT Center for Human Genetics Tuebingen
Classification: Likely benign. Last evaluated: 2023-01-01. Review status: criteria provided, single submitter. Criteria: CeGaT Center For Human Genetics Tuebingen Variant Classification Criteria Version 2. Collection method: clinical testing. Allele origin: germline. Affected: yes. Observed: 1 variant allele.
Comment: VARS1: BP4, BP7